The following is an entry in ClinVar:

ClinVar aggregate classification (germline): Uncertain significance (1 of 4 stars; one submission).

Conditions:
MEGF8-related Carpenter syndrome. Also called: Carpenter syndrome 2. Identifiers: Orphanet 65759, MedGen C3554247, MONDO:0013998, OMIM 614976.

gnomAD v4.1: 1 of 1,610,766 alleles (0.000062%); highest among the groups gnomAD compares: Admixed American, 0.0017%; no homozygotes.

Submission:

Labcorp Genetics (formerly Invitae), Labcorp
Classification: Uncertain significance for MEGF8-related Carpenter syndrome. Last evaluated: 2022-08-15. Review status: criteria provided, single submitter. Criteria: Invitae Variant Classification Sherloc (09022015). Collection method: clinical testing. Allele origin: germline.
Comment: In summary, the available evidence is currently insufficient to determine the role of this variant in disease. Therefore, it has been classified as a Variant of Uncertain Significance. Algorithms developed to predict the effect of missense changes on protein structure and function (SIFT, PolyPhen-2, Align-GVGD) all suggest that this variant is likely to be tolerated. This sequence change replaces proline, which is neutral and non-polar, with leucine, which is neutral and non-polar, at codon 2466 of the MEGF8 protein (p.Pro2466Leu). This variant is not present in population databases (gnomAD no frequency). This variant has not been reported in the literature in individuals affected with MEGF8-related conditions. ClinVar contains an entry for this variant (Variation ID: 1355523).

NM_001271938.2(MEGF8):c.7598C>T (p.Pro2533Leu)

Gene: MEGF8 (multiple EGF like domains 8; plus strand). Cytogenetic location: 19q13.2.
Variant type: single nucleotide variant.
Coding change: c.7598C>T on transcript NM_001271938.2 (MANE Select); coding-DNA position 7598, C replaced by T.
Protein change: p.Pro2533Leu; replaces proline 2533 with leucine.
Molecular consequence: missense variant.
Genome position (GRCh38, 1-based): chr19:42,375,835, C>T. VCF-style: chr19-42375835-C-T. GRCh37 (hg19) VCF-style: chr19-42879987-C-T.
Other names: c.7397C>T, p.Pro2466Leu (NM_001410.3); short protein forms P2533L, P2466L.
Identifiers: ClinVar variation 1355523 (VCV001355523.8), dbSNP rs2147519774, ClinGen allele CA406140792.